The following is an entry in ClinVar:

ClinVar aggregate classification (germline): Uncertain significance (1 of 4 stars; one submission).

Conditions:
Hereditary cancer-predisposing syndrome. Also called: Hereditary Cancer Syndrome; Hereditary neoplastic syndrome; Neoplastic Syndromes, Hereditary; Tumor predisposition. Identifiers: Orphanet 140162, MedGen C0027672, MeSH D009386, MONDO:0015356.

Submission:

Ambry Genetics
Classification: Uncertain significance for Hereditary cancer-predisposing syndrome. Last evaluated: 2025-07-03. Review status: criteria provided, single submitter. Criteria: Ambry Variant Classification Scheme 2023. Collection method: clinical testing. Allele origin: germline.
Comment: The p.L1208I variant (also known as c.3622C>A), located in coding exon 23 of the ALK gene, results from a C to A substitution at nucleotide position 3622. The leucine at codon 1208 is replaced by isoleucine, an amino acid with highly similar properties. This amino acid position is conserved. In addition, the in silico prediction for this alteration is inconclusive. Based on the available evidence, the clinical significance of this variant remains unclear.

NM_004304.5(ALK):c.3622C>A (p.Leu1208Ile)

Gene: ALK (ALK receptor tyrosine kinase; minus strand). Cytogenetic location: 2p23.2.
Variant type: single nucleotide variant.
Coding change: c.3622C>A on transcript NM_004304.5 (MANE Select); coding-DNA position 3622, C replaced by A.
Protein change: p.Leu1208Ile; replaces leucine 1208 with isoleucine.
Molecular consequence: missense variant.
Genome position (GRCh38, 1-based): chr2:29,220,729, G>T on the plus strand (C>A on the coding strand, the complement: ALK is on the minus strand). VCF-style: chr2-29220729-G-T. GRCh37 (hg19) VCF-style: chr2-29443595-G-T.
Other names: c.418C>A, p.Leu140Ile (NM_001353765.2); short protein forms L140I, L1208I.
Identifiers: ClinVar variation 4272410 (VCV004272410.1).